The following is an entry in ClinVar:

NM_000226.4(KRT9):c.566A>G (p.Tyr189Cys)

Gene: KRT9 (keratin 9; minus strand). Cytogenetic location: 17q21.2.
Variant type: single nucleotide variant.
Coding change: c.566A>G on transcript NM_000226.4 (MANE Select); coding-DNA position 566, A replaced by G.
Protein change: p.Tyr189Cys; replaces tyrosine 189 with cysteine.
Molecular consequence: missense variant.
Genome position (GRCh38, 1-based): chr17:41,571,427, T>C on the plus strand (A>G on the coding strand, the complement: KRT9 is on the minus strand). VCF-style: chr17-41571427-T-C. GRCh37 (hg19) VCF-style: chr17-39727679-T-C.
Other names: short protein forms Y189C.
Identifiers: ClinVar variation 2636321 (VCV002636321.1), dbSNP rs1011329757, ClinGen allele CA290680013.

ClinVar aggregate classification (germline): Uncertain significance (1 of 4 stars; one submission).

Conditions:
KRT9-related disorder. Also called: KRT9-related condition.

Allele frequency attached by ClinVar (database versions not stated): TOPMed below 0.00001.

Submission:

PreventionGenetics, part of Exact Sciences
Classification: Uncertain significance for KRT9-related condition. Last evaluated: 2023-06-30. Review status: criteria provided, single submitter. Criteria: ACMG Guidelines, 2015. Collection method: clinical testing. Allele origin: germline.
Comment: The KRT9 c.566A>G variant is predicted to result in the amino acid substitution p.Tyr189Cys. To our knowledge, this variant has not been reported in the literature or in a large population database, indicating this variant is rare. At this time, the clinical significance of this variant is uncertain due to the absence of conclusive functional and genetic evidence.